The following is an entry in ClinVar:

ClinVar aggregate classification (germline): Uncertain significance. Review status: criteria provided, multiple submitters, no conflicts (2 of 4 stars). 2 submissions from 2 submitters: Uncertain significance (2). Last evaluated 2024-07-05.

Conditions:
Familial sleep-related hypermotor epilepsy. Also called: Autosomal Dominant Sleep-Related Hypermotor (Hyperkinetic) Epilepsy. Identifiers: Orphanet 98784, MedGen C3696898, MONDO:0000030.

Submissions (2):

Labcorp Genetics (formerly Invitae), Labcorp
Classification: Uncertain significance. Last evaluated: 2024-07-05. Review status: criteria provided, single submitter. Criteria: Invitae Variant Classification Sherloc (09022015). Collection method: clinical testing. Allele origin: germline.
Comment: This variant, c.859_867del, results in the deletion of 3 amino acid(s) of the CHRNB2 protein (p.Val287_Pro289del), but otherwise preserves the integrity of the reading frame. This variant is not present in population databases (gnomAD no frequency). This variant has not been reported in the literature in individuals affected with CHRNB2-related conditions. ClinVar contains an entry for this variant (Variation ID: 1507182). Experimental studies and prediction algorithms are not available or were not evaluated, and the functional significance of this variant is currently unknown. In summary, the available evidence is currently insufficient to determine the role of this variant in disease. Therefore, it has been classified as a Variant of Uncertain Significance.

GeneDx
Classification: Uncertain significance. Last evaluated: 2022-06-03. Review status: criteria provided, single submitter. Criteria: GeneDx Variant Classification Process June 2021. Collection method: clinical testing. Allele origin: germline. Affected: yes.
Comment: Not observed at significant frequency in large population cohorts (gnomAD); In-frame deletion of 3 amino acids in a non-repeat region; In silico analysis supports a deleterious effect on protein structure/function; Has not been previously published as pathogenic or benign to our knowledge

NM_000748.3(CHRNB2):c.859_867del (p.Val287_Pro289del)

Gene: CHRNB2 (cholinergic receptor nicotinic beta 2 subunit; plus strand). Cytogenetic location: 1q21.3.
Variant type: Deletion.
Coding change: c.859_867del on transcript NM_000748.3 (MANE Select); coding-DNA positions 859 to 867, 9 bases deleted (GTGCCTCCC; older notation c.859_867delGTGCCTCCC).
Protein change: p.Val287_Pro289del.
Molecular consequence: inframe deletion.
Genome position (GRCh38, 1-based): chr1:154,571,682-154,571,690, GTGCCTCCC deleted; deleting any 9 consecutive bases within chr1:154,571,681-154,571,690 gives the same sequence; the c. name uses the placement nearest the transcript's 3' end. VCF-style (leftmost placement, unchanged base first): chr1-154571680-TCGTGCCTCC-T. GRCh37 (hg19) VCF-style: chr1-154544156-TCGTGCCTCC-T.
Identifiers: ClinVar variation 1507182 (VCV001507182.7), dbSNP rs2101521275, ClinGen allele CA2573131095.